The following is an entry in ClinVar:

NM_000548.5(TSC2):c.1863G>A (p.Leu621=)

Gene: TSC2 (TSC complex subunit 2; plus strand). Cytogenetic location: 16p13.3.
Variant type: single nucleotide variant.
Coding change: c.1863G>A on transcript NM_000548.5 (MANE Select); coding-DNA position 1863, G replaced by A.
Protein change: p.Leu621=; no amino-acid change (leucine 621 retained).
Molecular consequence: synonymous variant.
Genome position (GRCh38, 1-based): chr16:2,071,533, G>A. VCF-style: chr16-2071533-G-A. GRCh37 (hg19) VCF-style: chr16-2121534-G-A.
Other names: c.1863G>A, p.Leu621= (NM_001077183.3, NM_001114382.3, NM_001363528.2 and 3 more transcripts); c.1752G>A, p.Leu584= (NM_001318827.2); c.1716G>A, p.Leu572= (NM_001318829.2); c.1263G>A, p.Leu421= (NM_001318831.2); c.1896G>A, p.Leu632= (NM_001318832.2).
Identifiers: ClinVar variation 486646 (VCV000486646.20), dbSNP rs1485599658, ClinGen allele CA492950283.

ClinVar aggregate classification (germline): Benign/Likely benign. Review status: criteria provided, multiple submitters, no conflicts (2 of 4 stars). 5 submissions from 5 submitters: Benign (2); Likely benign (3). Last evaluated 2025-12-28.

Conditions:
Tuberous sclerosis syndrome (TSC). Also called: Tuberous Sclerosis Complex; Tuberous sclerosis. Identifiers: Orphanet 805, MedGen C0041341, MONDO:0001734.
Tuberous sclerosis 2 (TSC2). Identifiers: Orphanet 805, MedGen C1860707, MONDO:0013199, OMIM 613254.
Hereditary cancer-predisposing syndrome. Also called: Tumor predisposition; Neoplastic Syndromes, Hereditary; Hereditary Cancer Syndrome; Hereditary neoplastic syndrome. Identifiers: Orphanet 140162, MedGen C0027672, MeSH D009386, MONDO:0015356.

Allele frequency attached by ClinVar (database versions not stated): gnomAD exomes below 0.00001; gnomAD 0.00001.
gnomAD v4.1: 3 of 1,613,500 alleles (0.00019%); highest among the groups gnomAD compares: Non-Finnish European, 0.00025%; no homozygotes.

Submissions (5):

Labcorp Genetics (formerly Invitae), Labcorp
Classification: Likely benign for Tuberous sclerosis 2. Last evaluated: 2025-12-28. Review status: criteria provided, single submitter. Criteria: Invitae Variant Classification Sherloc (09022015). Collection method: clinical testing. Allele origin: germline.

Myriad Genetics, Inc.
Classification: Benign for Tuberous sclerosis 2. Last evaluated: 2025-05-16. Review status: criteria provided, single submitter. Criteria: Myriad Autosomal Dominant, Autosomal Recessive and X-Linked Classification Criteria (2023). Collection method: clinical testing. Allele origin: unknown.
Comment: This variant is considered benign. This variant is a silent/synonymous amino acid change and it is not expected to impact splicing.

All of Us Research Program, National Institutes of Health
Classification: Likely benign for Tuberous sclerosis syndrome. Last evaluated: 2023-09-05. Review status: criteria provided, single submitter. Criteria: ACMG Guidelines, 2015. Collection method: clinical testing. Allele origin: germline. Inheritance: Autosomal dominant inheritance. Observed: 1 variant allele, 1 heterozygote.
Comment: This study involves interpretation of variants in research participants for the purpose of population health screening. Participant phenotype was not available at the time of variant classification. Additional details can be found in publication PMID: 35346344, PMCID: PMC8962531

Genome-Nilou Lab
Classification: Benign for Tuberous sclerosis 2. Last evaluated: 2021-11-07. Review status: criteria provided, single submitter. Criteria: ACMG Guidelines, 2015. Collection method: clinical testing. Allele origin: germline. Affected: no.

Ambry Genetics
Classification: Likely benign for Hereditary cancer-predisposing syndrome. Last evaluated: 2016-02-06. Review status: criteria provided, single submitter. Criteria: Ambry Variant Classification Scheme 2023. Collection method: clinical testing. Allele origin: germline.